The following is an entry in ClinVar:

Conditions:
Breast-ovarian cancer, familial, susceptibility to, 1 (BROVCA1). Also called: BRCA1 Hereditary Breast and Ovarian Cancer; OVARIAN CANCER, SUSCEPTIBILITY TO. Identifiers: Orphanet 145, MedGen C2676676, MONDO:0011450, OMIM 604370. Disease mechanism: loss of function.

Submission:

Brotman Baty Institute, University of Washington
No classification provided (evidence only). Condition: Breast-ovarian cancer, familial 1. Review status: no classification provided. Collection method: in vitro. Allele origin: not applicable. Functional consequence: functionally_normal.
ClinVar note: "not provided" was previously submitted as the classification for the variant. However, the classification appeared to be based only on an observation of functional data so it was converted to no classification on 2025-07-30.

NM_007294.4(BRCA1):c.5174A>T (p.Glu1725Val)

Gene: BRCA1 (BRCA1 DNA repair associated; minus strand). Cytogenetic location: 17q21.31.
Variant type: single nucleotide variant.
Coding change: c.5174A>T on transcript NM_007294.4 (MANE Select); coding-DNA position 5174, A replaced by T.
Protein change: p.Glu1725Val; replaces glutamic acid 1725 with valine.
Molecular consequence: missense variant. On other transcripts: non-coding transcript variant (1).
Genome position (GRCh38, 1-based): chr17:43,063,352, T>A on the plus strand (A>T on the coding strand, the complement: BRCA1 is on the minus strand). VCF-style: chr17-43063352-T-A. GRCh37 (hg19) VCF-style: chr17-41215369-T-A.
Other names: c.4961A>T, p.Glu1654Val (NM_001407571.1, NM_001407900.1, NM_001407902.1 and 12 more transcripts); c.5240A>T, p.Glu1747Val (NM_001407581.1, NM_001407582.1); c.5237A>T, p.Glu1746Val (NM_001407583.1, NM_001407585.1, NM_001407587.1 and 1 more transcripts); c.5171A>T, p.Glu1724Val (NM_001407610.1, NM_001407611.1, NM_001407612.1 and 17 more transcripts); c.5168A>T, p.Glu1723Val (NM_001407629.1, NM_001407630.1, NM_001407631.1 and 14 more transcripts); c.5114A>T, p.Glu1705Val (NM_001407649.1); c.5096A>T, p.Glu1699Val (NM_001407652.1, NM_001407653.1, NM_001407654.1 and 1 more transcripts); c.5093A>T, p.Glu1698Val (NM_001407656.1, NM_001407657.1, NM_001407658.1); and 72 more; short protein forms E1725V, E1746V, E621V, E1678V, E1556V, E1598V, E1614V, E1655V.
Identifiers: ClinVar variation 868772 (VCV000868772.3), dbSNP rs2051862353, ClinGen allele CA10591195.
Genomic context (GRCh38, chr17:43,063,352, plus strand): 5'-GAATGAATATCTCTGGTTAGTTTGTAACATCAAGTACTTACCTCATTCAGCATTTTTCTT[T>A]CTTTAATAGACTGGGTCACCCCTAAAGAGATCATAGAAAAGACAGGTTACATACAGCAGA-3'
Protein context (NP_009225.1, residues 1715-1735): SYFWVTQSIK[Glu1725Val]RKMLNEHDFE